The following is an entry in ClinVar:

ClinVar aggregate classification (germline): Uncertain significance (1 of 4 stars; one submission).

gnomAD v4.1: 57 of 1,614,186 alleles (0.0035%); highest among the groups gnomAD compares: East Asian, 0.13%; no homozygotes.

Submission:

Labcorp Genetics (formerly Invitae), Labcorp
Classification: Uncertain significance. Last evaluated: 2025-10-10. Review status: criteria provided, single submitter. Criteria: Invitae Variant Classification Sherloc (09022015). Collection method: clinical testing. Allele origin: germline.
Comment: This sequence change replaces valine, which is neutral and non-polar, with glycine, which is neutral and non-polar, at codon 314 of the GCM2 protein (p.Val314Gly). This variant is present in population databases (rs200765077, gnomAD 0.01%). This variant has not been reported in the literature in individuals affected with GCM2-related conditions. ClinVar contains an entry for this variant (Variation ID: 3685144). Invitae Evidence Modeling of protein sequence and biophysical properties (such as structural, functional, and spatial information, amino acid conservation, physicochemical variation, residue mobility, and thermodynamic stability) indicates that this missense variant is not expected to disrupt GCM2 protein function with a negative predictive value of 80%. In summary, the available evidence is currently insufficient to determine the role of this variant in disease. Therefore, it has been classified as a Variant of Uncertain Significance.

NM_004752.4(GCM2):c.941T>G (p.Val314Gly)

Gene: GCM2 (glial cells missing transcription factor 2; minus strand). Cytogenetic location: 6p24.2.
Variant type: single nucleotide variant.
Coding change: c.941T>G on transcript NM_004752.4 (MANE Select); coding-DNA position 941, T replaced by G.
Protein change: p.Val314Gly; replaces valine 314 with glycine.
Molecular consequence: missense variant.
Genome position (GRCh38, 1-based): chr6:10,874,575, A>C on the plus strand (T>G on the coding strand, the complement: GCM2 is on the minus strand). VCF-style: chr6-10874575-A-C. GRCh37 (hg19) VCF-style: chr6-10874808-A-C.
Other names: short protein forms V314G.
Identifiers: ClinVar variation 3685144 (VCV003685144.2).